The following is an entry in ClinVar:

NM_001082538.3(TCTN1):c.14G>A (p.Gly5Asp)

Gene: TCTN1 (tectonic family member 1; plus strand). Cytogenetic location: 12q24.11.
Variant type: single nucleotide variant.
Coding change: c.14G>A on transcript NM_001082538.3 (MANE Select); coding-DNA position 14, G replaced by A.
Protein change: p.Gly5Asp; replaces glycine 5 with aspartic acid.
Molecular consequence: missense variant. On other transcripts: 5 prime UTR variant (4), non-coding transcript variant (1).
Genome position (GRCh38, 1-based): chr12:110,614,196, G>A. VCF-style: chr12-110614196-G-A. GRCh37 (hg19) VCF-style: chr12-111052001-G-A.
Other names: c.14G>A, p.Gly5Asp (NM_001082537.3, NM_001319680.2, NM_024549.6); c.-216G>A (NM_001173975.3, NM_001319682.3); c.-243G>A (NM_001173976.2); c.-694G>A (NM_001319681.2); short protein forms G5D.
Identifiers: ClinVar variation 307203 (VCV000307203.11), dbSNP rs572300029, ClinGen allele CA6786431.

ClinVar aggregate classification (germline): Conflicting classifications of pathogenicity. Review status: criteria provided, conflicting classifications (1 of 4 stars). 4 submissions from 4 submitters: Uncertain significance (3); Likely benign (1). Last evaluated 2025-01-23.

Conditions:
Meckel-Gruber syndrome. Also called: GRUBER SYNDROME; DYSENCEPHALIA SPLANCHNOCYSTICA; Dysencephalia splachnocystica. Identifiers: Orphanet 564, MedGen C0265215, MONDO:0018921.
Joubert syndrome. Also called: JOUBERT-BOLTSHAUSER SYNDROME; Familial aplasia of the vermis. Identifiers: Orphanet 475, MedGen C5979921, MONDO:0018772.
Inborn genetic diseases. Identifiers: MedGen C0950123, MeSH D030342.
Joubert syndrome 13 (JBTS13). Identifiers: Orphanet 475, MedGen C3280031, MONDO:0013608, OMIM 614173.

Allele frequency attached by ClinVar (database versions not stated): TOPMed 0.00011; ExAC 0.00014; gnomAD 0.00014 and 0.00015; gnomAD exomes 0.00014; 1000 Genomes Project 0.00040; 1000 Genomes Project 30x 0.00047.
gnomAD v4.1: 69 of 1,553,488 alleles (0.0044%); highest among the groups gnomAD compares: East Asian, 0.079%; no homozygotes.

Submissions (4):

Labcorp Genetics (formerly Invitae), Labcorp
Classification: Uncertain significance for Joubert syndrome; Meckel-Gruber syndrome. Last evaluated: 2025-01-23. Review status: criteria provided, single submitter. Criteria: Invitae Variant Classification Sherloc (09022015). Collection method: clinical testing. Allele origin: germline.
Comment: This sequence change replaces glycine, which is neutral and non-polar, with aspartic acid, which is acidic and polar, at codon 5 of the TCTN1 protein (p.Gly5Asp). This variant is present in population databases (rs572300029, gnomAD 0.1%). This variant has not been reported in the literature in individuals affected with TCTN1-related conditions. ClinVar contains an entry for this variant (Variation ID: 307203). An algorithm developed to predict the effect of missense changes on protein structure and function outputs the following: PolyPhen-2: "Not Available". The aspartic acid amino acid residue is found in multiple mammalian species, which suggests that this missense change does not adversely affect protein function. In summary, the available evidence is currently insufficient to determine the role of this variant in disease. Therefore, it has been classified as a Variant of Uncertain Significance.

Ambry Genetics
Classification: Uncertain significance for Inborn genetic diseases. Last evaluated: 2024-03-20. Review status: criteria provided, single submitter. Criteria: Ambry Variant Classification Scheme 2023. Collection method: clinical testing. Allele origin: germline.

Blueprint Genetics
Classification: Likely benign. Last evaluated: 2022-08-26. Review status: criteria provided, single submitter. Criteria: ACMG Guidelines, 2015. Collection method: clinical testing. Allele origin: germline.

Illumina Laboratory Services, Illumina
Classification: Uncertain significance for Joubert syndrome 13. Last evaluated: 2018-01-13. Review status: criteria provided, single submitter. Criteria: ICSL Variant Classification Criteria 13 December 2019. Collection method: clinical testing. Allele origin: germline.